The following is an entry in ClinVar:

ClinVar aggregate classification (germline): Uncertain significance. Review status: criteria provided, multiple submitters, no conflicts (2 of 4 stars). 2 submissions from 2 submitters: Uncertain significance (2). Last evaluated 2024-11-17.

Conditions:
Hereditary cancer-predisposing syndrome. Also called: Neoplastic Syndromes, Hereditary; Tumor predisposition; Hereditary Cancer Syndrome; Hereditary neoplastic syndrome. Identifiers: Orphanet 140162, MedGen C0027672, MeSH D009386, MONDO:0015356.

Allele frequency attached by ClinVar (database versions not stated): TOPMed 0.00001.

Submissions (2):

Ambry Genetics
Classification: Uncertain significance for Hereditary cancer-predisposing syndrome. Last evaluated: 2024-11-17. Review status: criteria provided, single submitter. Criteria: Ambry Variant Classification Scheme 2023. Collection method: clinical testing. Allele origin: germline.
Comment: The p.C53S variant (also known as c.158G>C), located in coding exon 2 of the RAD50 gene, results from a G to C substitution at nucleotide position 158. The cysteine at codon 53 is replaced by serine, an amino acid with dissimilar properties. This amino acid position is not well conserved in available vertebrate species. In addition, this alteration is predicted to be tolerated by in silico analysis. Since supporting evidence is limited at this time, the clinical significance of this alteration remains unclear.

Labcorp Genetics (formerly Invitae), Labcorp
Classification: Uncertain significance for Hereditary cancer-predisposing syndrome. Last evaluated: 2024-11-15. Review status: criteria provided, single submitter. Criteria: Invitae Variant Classification Sherloc (09022015). Collection method: clinical testing. Allele origin: germline.
Comment: This sequence change replaces cysteine, which is neutral and slightly polar, with serine, which is neutral and polar, at codon 53 of the RAD50 protein (p.Cys53Ser). This variant is not present in population databases (gnomAD no frequency). This variant has not been reported in the literature in individuals affected with RAD50-related conditions. ClinVar contains an entry for this variant (Variation ID: 233836). Invitae Evidence Modeling of protein sequence and biophysical properties (such as structural, functional, and spatial information, amino acid conservation, physicochemical variation, residue mobility, and thermodynamic stability) indicates that this missense variant is not expected to disrupt RAD50 protein function with a negative predictive value of 80%. In summary, the available evidence is currently insufficient to determine the role of this variant in disease. Therefore, it has been classified as a Variant of Uncertain Significance.

NM_005732.4(RAD50):c.158G>C (p.Cys53Ser)

Gene: RAD50 (RAD50 double strand break repair protein; plus strand). Cytogenetic location: 5q31.1.
Variant type: single nucleotide variant.
Coding change: c.158G>C on transcript NM_005732.4 (MANE Select); coding-DNA position 158, G replaced by C.
Protein change: p.Cys53Ser; replaces cysteine 53 with serine.
Molecular consequence: missense variant.
Genome position (GRCh38, 1-based): chr5:132,559,312, G>C. VCF-style: chr5-132559312-G-C. GRCh37 (hg19) VCF-style: chr5-131895004-G-C.
Other names: short protein forms C53S.
Identifiers: ClinVar variation 233836 (VCV000233836.17), dbSNP rs876660673, ClinGen allele CA10578476.
Genomic context (GRCh38, chr5:132,559,312, plus strand): 5'-TAACGAAATAATGTAATTTTCTATTTCTTTAGACCATCATTGAATGTCTAAAATATATTT[G>C]TACTGGAGATTTCCCTCCTGGAACCAAAGGAAATACATTTGTACACGATCCCAAGGTAAT-3'
Protein context (NP_005723.2, residues 43-63): TTIIECLKYI[Cys53Ser]TGDFPPGTKG